The following is an entry in ClinVar:

NM_001110219.3(GJB6):c.264G>A (p.Ala88=)

Gene: GJB6 (gap junction protein beta 6; minus strand). Cytogenetic location: 13q12.11.
Variant type: single nucleotide variant.
Coding change: c.264G>A on transcript NM_001110219.3 (MANE Select); coding-DNA position 264, G replaced by A.
Protein change: p.Ala88=; no amino-acid change (alanine 88 retained).
Molecular consequence: synonymous variant.
Genome position (GRCh38, 1-based): chr13:20,223,217, C>T on the plus strand (G>A on the coding strand, the complement: GJB6 is on the minus strand). VCF-style: chr13-20223217-C-T. GRCh37 (hg19) VCF-style: chr13-20797356-C-T.
Other names: c.264G>A, p.Ala88= (NM_001110220.3, NM_001110221.3, NM_001370090.1 and 3 more transcripts).
Identifiers: ClinVar variation 227386 (VCV000227386.4), dbSNP rs758356020, ClinGen allele CA6904482.

ClinVar aggregate classification (germline): Likely benign (1 of 4 stars; one submission).

Allele frequency attached by ClinVar (database versions not stated): gnomAD below 0.00001 and 0.00003; gnomAD exomes 0.00004 and 0.00005; ExAC 0.00005.

Submission:

Laboratory for Molecular Medicine, Mass General Brigham Personalized Medicine
Classification: Likely benign. Last evaluated: 2015-08-11. Review status: criteria provided, single submitter. Criteria: LMM Criteria. Collection method: clinical testing. Allele origin: germline. Observed: 1 variant allele.
Comment: p.Ala88Ala in exon 3 of GJB6: This variant is not expected to have clinical sign ificance because it does not alter an amino acid residue and is not located with in the splice consensus sequence. It has been identified in 5/16038 of South As ian chromosomes by the Exome Aggregation Consortium (ExAC).